The following is an entry in ClinVar:

ClinVar aggregate classification (germline): Uncertain significance. Review status: criteria provided, multiple submitters, no conflicts (2 of 4 stars). 2 submissions from 2 submitters: Uncertain significance (2). Last evaluated 2022-08-08.

Conditions:
Retinitis pigmentosa (RP). Identifiers: Orphanet 791, MedGen C0035334, MeSH D012174, MONDO:0019200, OMIM 268000. Inheritance: Autosomal dominant, autosomal recessive and X linked inheritance.

Allele frequency attached by ClinVar (database versions not stated): ExAC 0.00003; gnomAD 0.00003.
gnomAD v4.1: 34 of 1,613,938 alleles (0.0021%); highest among the groups gnomAD compares: African/African-American, 0.004%; no homozygotes.

Submissions (2):

Labcorp Genetics (formerly Invitae), Labcorp
Classification: Uncertain significance. Last evaluated: 2022-08-08. Review status: criteria provided, single submitter. Criteria: Invitae Variant Classification Sherloc (09022015). Collection method: clinical testing. Allele origin: germline.
Comment: This variant is present in population databases (rs778857421, gnomAD 0.003%). This sequence change replaces threonine, which is neutral and polar, with methionine, which is neutral and non-polar, at codon 253 of the PDE6A protein (p.Thr253Met). This variant has not been reported in the literature in individuals affected with PDE6A-related conditions. ClinVar contains an entry for this variant (Variation ID: 351995). Algorithms developed to predict the effect of missense changes on protein structure and function are either unavailable or do not agree on the potential impact of this missense change (SIFT: "Deleterious"; PolyPhen-2: "Probably Damaging"; Align-GVGD: "Class C0"). In summary, the available evidence is currently insufficient to determine the role of this variant in disease. Therefore, it has been classified as a Variant of Uncertain Significance.

Illumina Laboratory Services, Illumina
Classification: Uncertain significance for Retinitis pigmentosa. Last evaluated: 2018-01-12. Review status: criteria provided, single submitter. Criteria: ICSL Variant Classification Criteria 13 December 2019. Collection method: clinical testing. Allele origin: germline.

NM_000440.3(PDE6A):c.758C>T (p.Thr253Met)

Gene: PDE6A (phosphodiesterase 6A; minus strand). Cytogenetic location: 5q32.
Variant type: single nucleotide variant.
Coding change: c.758C>T on transcript NM_000440.3 (MANE Select); coding-DNA position 758, C replaced by T.
Protein change: p.Thr253Met; replaces threonine 253 with methionine.
Molecular consequence: missense variant.
Genome position (GRCh38, 1-based): chr5:149,931,128, G>A on the plus strand (C>T on the coding strand, the complement: PDE6A is on the minus strand). VCF-style: chr5-149931128-G-A. GRCh37 (hg19) VCF-style: chr5-149310691-G-A.
Other names: short protein forms T253M.
Identifiers: ClinVar variation 351995 (VCV000351995.11), dbSNP rs778857421, ClinGen allele CA3504953.